The following is an entry in ClinVar:

NM_005027.4(PIK3R2):c.1026G>C (p.Glu342Asp)

Gene: PIK3R2 (phosphoinositide-3-kinase regulatory subunit 2; plus strand). Cytogenetic location: 19p13.11.
Variant type: single nucleotide variant.
Coding change: c.1026G>C on transcript NM_005027.4 (MANE Select); coding-DNA position 1026, G replaced by C.
Protein change: p.Glu342Asp; replaces glutamic acid 342 with aspartic acid.
Molecular consequence: missense variant. On other transcripts: non-coding transcript variant (2).
Genome position (GRCh38, 1-based): chr19:18,162,423, G>C. VCF-style: chr19-18162423-G-C. GRCh37 (hg19) VCF-style: chr19-18273233-G-C.
Other names: short protein forms E342D.
Identifiers: ClinVar variation 2771824 (VCV002771824.3), dbSNP rs1599976403, ClinGen allele CA404807736.

ClinVar aggregate classification (germline): Uncertain significance (1 of 4 stars; one submission).

Conditions:
Megalencephaly-polymicrogyria-postaxial polydactyly-hydrocephalus syndrome. Also called: MEG-PMG-MEGACC SYNDROME; MPPH Syndrome. Identifiers: Orphanet 83473, MedGen C1863924, MONDO:0019375.

Submission:

Labcorp Genetics (formerly Invitae), Labcorp
Classification: Uncertain significance for Megalencephaly-polymicrogyria-postaxial polydactyly-hydrocephalus syndrome. Last evaluated: 2023-10-25. Review status: criteria provided, single submitter. Criteria: Invitae Variant Classification Sherloc (09022015). Collection method: clinical testing. Allele origin: germline.
Comment: This sequence change replaces glutamic acid, which is acidic and polar, with aspartic acid, which is acidic and polar, at codon 342 of the PIK3R2 protein (p.Glu342Asp). This variant is not present in population databases (gnomAD no frequency). This variant has not been reported in the literature in individuals affected with PIK3R2-related conditions. Advanced modeling of protein sequence and biophysical properties (such as structural, functional, and spatial information, amino acid conservation, physicochemical variation, residue mobility, and thermodynamic stability) performed at Invitae indicates that this missense variant is not expected to disrupt PIK3R2 protein function with a negative predictive value of 80%. In summary, the available evidence is currently insufficient to determine the role of this variant in disease. Therefore, it has been classified as a Variant of Uncertain Significance.